The following is an entry in ClinVar:

NM_006904.7(PRKDC):c.7361T>G (p.Leu2454Arg)

Gene: PRKDC (protein kinase, DNA-activated, catalytic subunit; minus strand). Cytogenetic location: 8q11.21.
Variant type: single nucleotide variant.
Coding change: c.7361T>G on transcript NM_006904.7 (MANE Select); coding-DNA position 7361, T replaced by G.
Protein change: p.Leu2454Arg; replaces leucine 2454 with arginine.
Molecular consequence: missense variant.
Genome position (GRCh38, 1-based): chr8:47,840,109, A>C on the plus strand (T>G on the coding strand, the complement: PRKDC is on the minus strand). VCF-style: chr8-47840109-A-C. GRCh37 (hg19) VCF-style: chr8-48752670-A-C.
Other names: c.7361T>G, p.Leu2454Arg (NM_001081640.2); short protein forms L2454R.
Identifiers: ClinVar variation 3225905 (VCV003225905.1), dbSNP rs2551867925, ClinGen allele CA371155244.

ClinVar aggregate classification (germline): Uncertain significance (1 of 4 stars; one submission).

Submission:

Ambry Genetics
Classification: Uncertain significance. Last evaluated: 2024-01-11. Review status: criteria provided, single submitter. Criteria: Ambry Variant Classification Scheme 2023. Collection method: clinical testing. Allele origin: germline.
Comment: The p.L2454R variant (also known as c.7361T>G), located in coding exon 55 of the PRKDC gene, results from a T to G substitution at nucleotide position 7361. The leucine at codon 2454 is replaced by arginine, an amino acid with dissimilar properties. This amino acid position is conserved. Since supporting evidence is limited at this time, the clinical significance of this alteration remains unclear.